The following is an entry in ClinVar:

ClinVar aggregate classification (germline): Likely benign (0 of 4 stars; one submission).

Conditions:
FBXW7-related disorder. Also called: FBXW7-related disorders; FBXW7-related condition.

Submission:

PreventionGenetics, part of Exact Sciences
Classification: Likely benign for FBXW7-related condition. Last evaluated: 2020-10-13. Review status: no assertion criteria provided. Collection method: clinical testing. Allele origin: germline.
Comment: This variant is classified as likely benign based on ACMG/AMP sequence variant interpretation guidelines (Richards et al. 2015 PMID: 25741868, with internal and published modifications).

NM_001349798.2(FBXW7):c.585-7_585-5del

Gene: FBXW7 (F-box and WD repeat domain containing 7; minus strand). Cytogenetic location: 4q31.3.
Variant type: Deletion.
Coding change: c.585-7_585-5del on transcript NM_001349798.2 (MANE Select); 7 bases into the intron before coding-DNA position 585 through 5 bases into the intron before coding-DNA position 585, 3 bases deleted (TTT; older notation c.585-7_585-5delTTT).
Molecular consequence: intron variant.
Genome position (GRCh38, 1-based): chr4:152,347,076-152,347,078, AAA deleted on the plus strand (TTT on the coding strand, the reverse complement: FBXW7 is on the minus strand); deleting any 3 consecutive bases within chr4:152,347,076-152,347,089 gives the same sequence; the c. name uses the placement nearest the transcript's 3' end. VCF-style (leftmost placement, unchanged base first): chr4-152347075-CAAA-C. GRCh37 (hg19) VCF-style: chr4-153268227-CAAA-C.
Other names: c.231-7_231-5del (NM_001013415.2); c.345-7_345-5del (NM_018315.5); c.585-7_585-5del (NM_033632.3); c.585-7_585-5delTTT (NM_033632.3).
Identifiers: ClinVar variation 3046988 (VCV003046988.2), dbSNP rs745908066, ClinGen allele CA3106353.